The following is an entry in ClinVar:

ClinVar aggregate classification (germline): Uncertain significance. Review status: criteria provided, multiple submitters, no conflicts (2 of 4 stars). 2 submissions from 2 submitters: Uncertain significance (2). Last evaluated 2026-05-26.

Conditions:
Inborn genetic diseases. Identifiers: MedGen C0950123, MeSH D030342.
Congenital heart defects, multiple types, 7. Identifiers: MedGen C5394062, MONDO:0032913, OMIM 618780.

Allele frequency attached by ClinVar (database versions not stated): gnomAD exomes below 0.00001.
gnomAD v4.1: 1 of 1,529,468 alleles (0.000065%); highest among the groups gnomAD compares: Non-Finnish European, 0.000088%; no homozygotes.

Submissions (2):

Ambry Genetics
Classification: Uncertain significance for Inborn genetic diseases. Last evaluated: 2026-05-26. Review status: criteria provided, single submitter. Criteria: Ambry Variant Classification Scheme 2023. Collection method: clinical testing. Allele origin: germline.
Comment: The c.2765C>T (p.P922L) alteration is located in exon 20 (coding exon 20) of the FLT4 gene. This alteration results from a C to T substitution at nucleotide position 2765, causing the proline (P) at amino acid position 922 to be replaced by a leucine (L). Based on data from gnomAD, the T allele has an overall frequency of 0.001% (1/142000) total alleles studied. The highest observed frequency was 0.002% (1/58822) of European (non-Finnish) alleles. Based on insufficient or conflicting evidence, the clinical significance of this alteration remains unclear.

Institute of Human Genetics, University of Goettingen
Classification: Uncertain significance for Congenital heart defects, multiple types, 7. Last evaluated: 2023-06-20. Review status: criteria provided, single submitter. Criteria: ACMG Guidelines, 2015. Collection method: clinical testing. Allele origin: germline. Inheritance: Autosomal dominant inheritance. Affected: yes. Observed: 1 heterozygote.

Literature cited by the submitters: PubMed 30232381 (cited by Institute of Human Genetics, University of Goettingen).

NM_182925.5(FLT4):c.2765C>T (p.Pro922Leu)

Gene: FLT4 (fms related receptor tyrosine kinase 4; minus strand). Cytogenetic location: 5q35.3.
Variant type: single nucleotide variant.
Coding change: c.2765C>T on transcript NM_182925.5 (MANE Select); coding-DNA position 2765, C replaced by T.
Protein change: p.Pro922Leu; replaces proline 922 with leucine.
Molecular consequence: missense variant.
Genome position (GRCh38, 1-based): chr5:180,619,106, G>A on the plus strand (C>T on the coding strand, the complement: FLT4 is on the minus strand). VCF-style: chr5-180619106-G-A. GRCh37 (hg19) VCF-style: chr5-180046106-G-A.
Other names: c.2765C>T, p.Pro922Leu (NM_001354989.2, NM_002020.5); c.2765C>T (NM_002020.4); short protein forms P922L.
Identifiers: ClinVar variation 3064021 (VCV003064021.3), dbSNP rs1358833619, ClinGen allele CA362501385.
Genomic context (GRCh38, chr5:180,619,106, plus strand): 5'-TTGGCGCGCAGGAAGTTGGAGAGGTTGCCGTACTTGCAGAACTCCACGATCACCATGAGG[G>A]GGCCTGCGGCGGGACCGGGCGGCGGCCGTGCGTTCGGAACCCGGGGCGCGCTGCGGGCGC-3'
Protein context (NP_891555.2, residues 912-932): LLGACTKPQG[Pro922Leu]LMVIVEFCKY